The following is an entry in ClinVar:

ClinVar aggregate classification (germline): Uncertain significance (1 of 4 stars; one submission).

Allele frequency attached by ClinVar (database versions not stated): gnomAD exomes below 0.00001.
gnomAD v4.1: 6 of 1,207,980 alleles (0.0005%); highest among the groups gnomAD compares: Non-Finnish European, 0.00056%; no homozygotes.

Submission:

GeneDx
Classification: Uncertain significance. Last evaluated: 2022-02-14. Review status: criteria provided, single submitter. Criteria: GeneDx Variant Classification Process June 2021. Collection method: clinical testing. Allele origin: germline. Affected: yes.
Comment: Not observed at significant frequency in large population cohorts (gnomAD); In silico analysis supports that this missense variant has a deleterious effect on protein structure/function; Has not been previously published as pathogenic or benign to our knowledge

NM_078629.4(MSL3):c.844T>C (p.Tyr282His)

Gene: MSL3 (MSL complex subunit 3; plus strand). Cytogenetic location: Xp22.2.
Variant type: single nucleotide variant.
Coding change: c.844T>C on transcript NM_078629.4 (MANE Select); coding-DNA position 844, T replaced by C.
Protein change: p.Tyr282His; replaces tyrosine 282 with histidine.
Molecular consequence: missense variant.
Genome position (GRCh38, 1-based): chrX:11,763,874, T>C. VCF-style: chrX-11763874-T-C. GRCh37 (hg19) VCF-style: chrX-11781993-T-C.
Other names: c.808T>C, p.Tyr270His (NM_001193270.2); c.397T>C, p.Tyr133His (NM_001282174.1); c.346T>C, p.Tyr116His (NM_006800.4); c.844T>C, p.Tyr282His (NM_078628.2); short protein forms Y116H, Y133H, Y270H, Y282H.
Identifiers: ClinVar variation 1314689 (VCV001314689.3), dbSNP rs2147245758, ClinGen allele CA412065085.